The following is an entry in ClinVar:

ClinVar aggregate classification (germline): Benign (1 of 4 stars; one submission).

Conditions:
Vitreoretinopathy. Also called: Vitreoretinal degeneration. Identifiers: MedGen C0344290, MONDO:0020248, HP:0007773.

Allele frequency attached by ClinVar (database versions not stated): gnomAD 0.00030 and 0.00033; TOPMed 0.00037; 1000 Genomes Project 0.00060; 1000 Genomes Project 30x 0.00094.
gnomAD v4.1: 175 of 393,682 alleles (0.044%); highest among the groups gnomAD compares: South Asian, 0.16%; no homozygotes.

Submission:

Illumina Laboratory Services, Illumina
Classification: Benign for Vitreoretinopathy. Last evaluated: 2018-01-13. Review status: criteria provided, single submitter. Criteria: ICSL Variant Classification Criteria 13 December 2019. Collection method: clinical testing. Allele origin: germline.
Comment: This variant was observed in the ICSL laboratory as part of a predisposition screen in an ostensibly healthy population. It had not been previously curated by ICSL or reported in the Human Gene Mutation Database (HGMD: prior to June 1st, 2018), and was therefore a candidate for classification through an automated scoring system. Utilizing variant allele frequency, disease prevalence and penetrance estimates, and inheritance mode, an automated score was calculated to assess if this variant is too frequent to cause the disease. Based on the score and internal cut-off values, a variant classified as benign is not then subjected to further curation. The score for this variant resulted in a classification of benign for this disease.

NM_004385.5(VCAN):c.-119A>C

Gene: VCAN (versican; plus strand). Cytogenetic location: 5q14.2.
Variant type: single nucleotide variant.
Coding change: c.-119A>C on transcript NM_004385.5 (MANE Select); 119 bases upstream of the start codon, A replaced by C.
Molecular consequence: 5 prime UTR variant.
Genome position (GRCh38, 1-based): chr5:83,471,911, A>C. VCF-style: chr5-83471911-A-C. GRCh37 (hg19) VCF-style: chr5-82767730-A-C.
Other names: c.-119A>C (NM_001126336.3, NM_001164097.2, NM_001164098.2).
Identifiers: ClinVar variation 354385 (VCV000354385.6), dbSNP rs557823406, ClinGen allele CA10620883.